The following is an entry in ClinVar:

ClinVar aggregate classification (germline): Uncertain significance (1 of 4 stars; one submission).

Conditions:
Huntington disease-like 1 (HDL1). Also called: HUNTINGTON-LIKE NEURODEGENERATIVE DISORDER 1; HUNTINGTON-LIKE NEURODEGENERATIVE DISORDER, AUTOSOMAL DOMINANT; PRION DISEASE, EARLY-ONSET, WITH PROMINENT PSYCHIATRIC FEATURES. Identifiers: Orphanet 157941, MedGen C1864112, MONDO:0011299, OMIM 603218.

gnomAD v4.1: 1 of 1,614,124 alleles (0.000062%); no homozygotes.

Submission:

Labcorp Genetics (formerly Invitae), Labcorp
Classification: Uncertain significance for Huntington disease-like 1. Last evaluated: 2021-12-03. Review status: criteria provided, single submitter. Criteria: Invitae Variant Classification Sherloc (09022015). Collection method: clinical testing. Allele origin: germline.
Comment: In summary, the available evidence is currently insufficient to determine the role of this variant in disease. Therefore, it has been classified as a Variant of Uncertain Significance. Algorithms developed to predict the effect of missense changes on protein structure and function are either unavailable or do not agree on the potential impact of this missense change (SIFT: "Tolerated"; PolyPhen-2: "Probably Damaging"; Align-GVGD: "Class C0"). This variant has not been reported in the literature in individuals affected with PRNP-related conditions. This variant is not present in population databases (gnomAD no frequency). This sequence change replaces arginine, which is basic and polar, with threonine, which is neutral and polar, at codon 136 of the PRNP protein (p.Arg136Thr).

NM_000311.5(PRNP):c.407G>C (p.Arg136Thr)

Gene: PRNP (prion protein (Kanno blood group); plus strand). Cytogenetic location: 20p13.
Variant type: single nucleotide variant.
Coding change: c.407G>C on transcript NM_000311.5 (MANE Select); coding-DNA position 407, G replaced by C.
Protein change: p.Arg136Thr; replaces arginine 136 with threonine.
Molecular consequence: missense variant. On other transcripts: 3 prime UTR variant (1).
Genome position (GRCh38, 1-based): chr20:4,699,627, G>C. VCF-style: chr20-4699627-G-C. GRCh37 (hg19) VCF-style: chr20-4680273-G-C.
Other names: c.407G>C, p.Arg136Thr (NM_001080121.3, NM_001080122.3, NM_001080123.3 and 1 more transcripts); c.*96G>C (NM_001271561.3); short protein forms R136T.
Identifiers: ClinVar variation 1510828 (VCV001510828.6), dbSNP rs145555096, ClinGen allele CA311093368.